The following is an entry in ClinVar:

ClinVar aggregate classification (germline): Uncertain significance (1 of 4 stars; one submission).

Allele frequency attached by ClinVar (database versions not stated): ExAC 0.00001; gnomAD 0.00001; TOPMed 0.00001.
gnomAD v4.1: 3 of 1,613,204 alleles (0.00019%); highest among the groups gnomAD compares: East Asian, 0.0067%; no homozygotes.

Submission:

Labcorp Genetics (formerly Invitae), Labcorp
Classification: Uncertain significance. Last evaluated: 2024-10-22. Review status: criteria provided, single submitter. Criteria: Invitae Variant Classification Sherloc (09022015). Collection method: clinical testing. Allele origin: germline.
Comment: This sequence change replaces alanine, which is neutral and non-polar, with threonine, which is neutral and polar, at codon 623 of the FAM161A protein (p.Ala623Thr). This variant is present in population databases (rs757821289, gnomAD 0.006%). This variant has not been reported in the literature in individuals affected with FAM161A-related conditions. ClinVar contains an entry for this variant (Variation ID: 1914543). Invitae Evidence Modeling of protein sequence and biophysical properties (such as structural, functional, and spatial information, amino acid conservation, physicochemical variation, residue mobility, and thermodynamic stability) indicates that this missense variant is not expected to disrupt FAM161A protein function with a negative predictive value of 80%. In summary, the available evidence is currently insufficient to determine the role of this variant in disease. Therefore, it has been classified as a Variant of Uncertain Significance.

NM_001201543.2(FAM161A):c.1867G>A (p.Ala623Thr)

Gene: FAM161A (FAM161 centrosomal protein A; minus strand). Cytogenetic location: 2p15.
Variant type: single nucleotide variant.
Coding change: c.1867G>A on transcript NM_001201543.2 (MANE Select); coding-DNA position 1867, G replaced by A.
Protein change: p.Ala623Thr; replaces alanine 623 with threonine.
Molecular consequence: missense variant. On other transcripts: non-coding transcript variant (1).
Genome position (GRCh38, 1-based): chr2:61,827,243, C>T on the plus strand (G>A on the coding strand, the complement: FAM161A is on the minus strand). VCF-style: chr2-61827243-C-T. GRCh37 (hg19) VCF-style: chr2-62054378-C-T.
Other names: c.1699G>A, p.Ala567Thr (NM_032180.3); short protein forms A567T, A623T.
Identifiers: ClinVar variation 1914543 (VCV001914543.4), dbSNP rs757821289, ClinGen allele CA1679000.
Genomic context (GRCh38, chr2:61,827,243, plus strand): 5'-AAACAAACTCATCAGATATTCCTAGTGCTTTTAGGGTATTAGAATAATGCTTTTCTGCTG[C>T]CATTCTTGCATTTTTCTATAGGAAAGACAAACCTTTTTAGACGAGAACAGAAGACTTTAA-3'
Protein context (NP_001188472.1, residues 613-633): ERVAQKNARM[Ala623Thr]AEKHYSNTLK